The following is an entry in ClinVar:

ClinVar aggregate classification (germline): Uncertain significance (0 of 4 stars; one submission).

Conditions:
POGZ-related disorder. Also called: POGZ-related condition.

Submission:

PreventionGenetics, part of Exact Sciences
Classification: Uncertain significance for POGZ-related condition. Last evaluated: 2024-07-16. Review status: no assertion criteria provided. Collection method: clinical testing. Allele origin: germline.
Comment: The POGZ c.1517A>G variant is predicted to result in the amino acid substitution p.Asn506Ser. To our knowledge, this variant has not been reported in the literature or in a large population database, indicating this variant is rare. At this time, the clinical significance of this variant is uncertain due to the absence of conclusive functional and genetic evidence.

NM_015100.4(POGZ):c.1517A>G (p.Asn506Ser)

Gene: POGZ (pogo transposable element derived with ZNF domain; minus strand). Cytogenetic location: 1q21.3.
Variant type: single nucleotide variant.
Coding change: c.1517A>G on transcript NM_015100.4 (MANE Select); coding-DNA position 1517, A replaced by G.
Protein change: p.Asn506Ser; replaces asparagine 506 with serine.
Molecular consequence: missense variant.
Genome position (GRCh38, 1-based): chr1:151,423,955, T>C on the plus strand (A>G on the coding strand, the complement: POGZ is on the minus strand). VCF-style: chr1-151423955-T-C. GRCh37 (hg19) VCF-style: chr1-151396431-T-C.
Other names: c.1490A>G, p.Asn497Ser (NM_001194937.2); c.1331A>G, p.Asn444Ser (NM_001194938.2); c.1538A>G, p.Asn513Ser (NM_001410860.1); c.1232A>G, p.Asn411Ser (NM_145796.4); c.1358A>G, p.Asn453Ser (NM_207171.2); short protein forms N411S, N444S, N453S, N497S, N506S, N513S.
Identifiers: ClinVar variation 3353853 (VCV003353853.1).
Genomic context (GRCh38, chr1:151,423,955, plus strand): 5'-AAAATGTAAGTCTTCTCTTGTTCAAGGTAACTTCCAAGGCTCTTAAACACTTACCGAATA[T>C]TGTTTTTTAGCCTTTTGGTACAATGTGGGCATCGGAAAGATGTGGCGACCTTAGGGAAAT-3'
Protein context (NP_055915.2, residues 496-516): CPHCTKRLKN[Asn506Ser]IRFMNHMKHH